The following is an entry in ClinVar:

NM_000138.5(FBN1):c.4891T>G (p.Cys1631Gly)

Gene: FBN1 (fibrillin 1; minus strand). Cytogenetic location: 15q21.1.
Variant type: single nucleotide variant.
Coding change: c.4891T>G on transcript NM_000138.5 (MANE Select); coding-DNA position 4891, T replaced by G.
Protein change: p.Cys1631Gly; replaces cysteine 1631 with glycine.
Molecular consequence: missense variant.
Genome position (GRCh38, 1-based): chr15:48,465,619, A>C on the plus strand (T>G on the coding strand, the complement: FBN1 is on the minus strand). VCF-style: chr15-48465619-A-C. GRCh37 (hg19) VCF-style: chr15-48757816-A-C.
Other names: c.4891T>G, p.Cys1631Gly (NM_001406716.1); short protein forms C1631G.
Identifiers: ClinVar variation 3759281 (VCV003759281.2).

ClinVar aggregate classification (germline): Pathogenic (1 of 4 stars; one submission).

Conditions:
Marfan syndrome (MFS). Also called: MARFAN SYNDROME, TYPE I; Marfan syndrome type 1; Marfan's syndrome; Marfan syndrome, classic; FBN1-Related Marfan Syndrome. Identifiers: Orphanet 284963, Orphanet 558, MedGen C0024796, MONDO:0007947, OMIM 154700.
Familial thoracic aortic aneurysm and aortic dissection (TAAD). Also called: Thoracic aortic aneurysms and dissections. Identifiers: Orphanet 91387, MedGen C4707243, MONDO:0019625.

Submission:

Labcorp Genetics (formerly Invitae), Labcorp
Classification: Pathogenic for Marfan syndrome; Familial thoracic aortic aneurysm and aortic dissection. Last evaluated: 2024-08-19. Review status: criteria provided, single submitter. Criteria: Invitae Variant Classification Sherloc (09022015). Collection method: clinical testing. Allele origin: germline.
Comment: This sequence change replaces cysteine, which is neutral and slightly polar, with glycine, which is neutral and non-polar, at codon 1631 of the FBN1 protein (p.Cys1631Gly). This variant is not present in population databases (gnomAD no frequency). This missense change has been observed in individual(s) with Marfan syndrome (PMID: 16222657). Invitae Evidence Modeling of protein sequence and biophysical properties (such as structural, functional, and spatial information, amino acid conservation, physicochemical variation, residue mobility, and thermodynamic stability) indicates that this missense variant is expected to disrupt FBN1 protein function with a positive predictive value of 95%. This variant affects a cysteine residue in the EGF-like, TGFBP or hybrid motif domains of FBN1. Cysteine residues are believed to be involved in intramolecular disulfide bridges and have been shown to be important for FBN1 protein structure (PMID: 16905551, 19349279). In addition, missense substitutions affecting cysteine residues within these domains are significantly overrepresented among patients with Marfan syndrome (PMID: 16571647, 17701892). For these reasons, this variant has been classified as Pathogenic.

Literature cited by the submitters: PubMed 16222657; PubMed 16905551; PubMed 19349279; PubMed 16571647; PubMed 17701892.